The following is an entry in ClinVar:

NM_002282.3(KRT83):c.1162G>T (p.Ala388Ser)

Gene: KRT83 (keratin 83; minus strand). Cytogenetic location: 12q13.13.
Variant type: single nucleotide variant.
Coding change: c.1162G>T on transcript NM_002282.3 (MANE Select); coding-DNA position 1162, G replaced by T.
Protein change: p.Ala388Ser; replaces alanine 388 with serine.
Molecular consequence: missense variant.
Genome position (GRCh38, 1-based): chr12:52,315,993, C>A on the plus strand (G>T on the coding strand, the complement: KRT83 is on the minus strand). VCF-style: chr12-52315993-C-A. GRCh37 (hg19) VCF-style: chr12-52709777-C-A.
Other names: short protein forms A388S.
Identifiers: ClinVar variation 3650153 (VCV003650153.2).

ClinVar aggregate classification (germline): Uncertain significance (1 of 4 stars; one submission).

Submission:

Labcorp Genetics (formerly Invitae), Labcorp
Classification: Uncertain significance. Last evaluated: 2024-04-16. Review status: criteria provided, single submitter. Criteria: Invitae Variant Classification Sherloc (09022015). Collection method: clinical testing. Allele origin: germline.
Comment: This sequence change replaces alanine, which is neutral and non-polar, with serine, which is neutral and polar, at codon 388 of the KRT83 protein (p.Ala388Ser). This variant is not present in population databases (gnomAD no frequency). This variant has not been reported in the literature in individuals affected with KRT83-related conditions. Advanced modeling of protein sequence and biophysical properties (such as structural, functional, and spatial information, amino acid conservation, physicochemical variation, residue mobility, and thermodynamic stability) performed at Invitae indicates that this missense variant is not expected to disrupt KRT83 protein function with a negative predictive value of 80%. In summary, the available evidence is currently insufficient to determine the role of this variant in disease. Therefore, it has been classified as a Variant of Uncertain Significance.